The following is an entry in ClinVar:

ClinVar aggregate classification (germline): Uncertain significance. Review status: criteria provided, multiple submitters, no conflicts (2 of 4 stars). 2 submissions from 2 submitters: Uncertain significance (2). Last evaluated 2022-10-14.

Conditions:
Cardiovascular phenotype. Identifiers: MedGen CN230736.

Allele frequency attached by ClinVar (database versions not stated): gnomAD 0.00001; gnomAD exomes 0.00001; TOPMed 0.00001; ExAC 0.00002.
gnomAD v4.1: 21 of 1,613,984 alleles (0.0013%); highest among the groups gnomAD compares: Non-Finnish European, 0.0017%; no homozygotes.

Submissions (2):

Ambry Genetics
Classification: Uncertain significance for Cardiovascular phenotype. Last evaluated: 2022-10-14. Review status: criteria provided, single submitter. Criteria: Ambry Variant Classification Scheme 2023. Collection method: clinical testing. Allele origin: germline.
Comment: The p.L2743V variant (also known as c.8227C>G), located in coding exon 26 of the APOB gene, results from a C to G substitution at nucleotide position 8227. The leucine at codon 2743 is replaced by valine, an amino acid with highly similar properties. This amino acid position is conserved. In addition, this alteration is predicted to be tolerated by in silico analysis. Since supporting evidence is limited at this time, the clinical significance of this alteration remains unclear.

GeneDx
Classification: Uncertain significance. Last evaluated: 2019-04-25. Review status: criteria provided, single submitter. Criteria: GeneDx Variant Classification Process June 2021. Collection method: clinical testing. Allele origin: germline. Affected: yes.
Comment: Not observed at a significant frequency in large population cohorts (Lek et al., 2016); In silico analysis, which includes protein predictors and evolutionary conservation, supports that this variant does not alter protein structure/function; Has not been previously published as pathogenic or benign to our knowledge

NM_000384.3(APOB):c.8227C>G (p.Leu2743Val)

Gene: APOB (apolipoprotein B; minus strand). Cytogenetic location: 2p24.1.
Variant type: single nucleotide variant.
Coding change: c.8227C>G on transcript NM_000384.3 (MANE Select); coding-DNA position 8227, C replaced by G.
Protein change: p.Leu2743Val; replaces leucine 2743 with valine.
Molecular consequence: missense variant.
Genome position (GRCh38, 1-based): chr2:21,008,641, G>C on the plus strand (C>G on the coding strand, the complement: APOB is on the minus strand). VCF-style: chr2-21008641-G-C. GRCh37 (hg19) VCF-style: chr2-21231513-G-C.
Other names: short protein forms L2743V.
Identifiers: ClinVar variation 1305454 (VCV001305454.4), dbSNP rs777302365, ClinGen allele CA065428.
Genomic context (GRCh38, chr2:21,008,641, plus strand): 5'-TCAGAATACTGTATAGCTTGCCAAAAGTAGGTACTTCAATTGTGTGTGAGATGTGGGGAA[G>C]CTGGAATTCTGGTATGTGAAGGTCAGGAACTTGAAAATCATTAAGGTTGAGAGTTGGGAT-3'
Protein context (NP_000375.3, residues 2733-2753): VPDLHIPEFQ[Leu2743Val]PHISHTIEVP